The following is an entry in ClinVar:

NM_016103.4(SAR1B):c.443G>A (p.Arg148Gln)

Gene: SAR1B (secretion associated Ras related GTPase 1B; minus strand). Cytogenetic location: 5q31.1.
Variant type: single nucleotide variant.
Coding change: c.443G>A on transcript NM_016103.4 (MANE Select); coding-DNA position 443, G replaced by A.
Protein change: p.Arg148Gln; replaces arginine 148 with glutamine.
Molecular consequence: missense variant.
Genome position (GRCh38, 1-based): chr5:134,608,409, C>T on the plus strand (G>A on the coding strand, the complement: SAR1B is on the minus strand). VCF-style: chr5-134608409-C-T. GRCh37 (hg19) VCF-style: chr5-133944099-C-T.
Other names: c.443G>A, p.Arg148Gln (NM_001033503.3); short protein forms R148Q.
Identifiers: ClinVar variation 1412437 (VCV001412437.5), dbSNP rs368290466, ClinGen allele CA3414445.
Genomic context (GRCh38, chr5:134,608,409, plus strand): 5'-CATAATTTTTTTTTTTTTTTTACCTTTCCTGTTGTCTGACCATATAAACCAAACATCTCT[C>T]GCAACCTCTCTTCACTGATGGCTTCAGGTCTGTCGATCTTATTCCCAAGAATCAGTATAG-3'
Protein context (NP_057187.1, residues 138-158): RPEAISEERL[Arg148Gln]EMFGLYGQTT

ClinVar aggregate classification (germline): Uncertain significance (1 of 4 stars; one submission).

Allele frequency attached by ClinVar (database versions not stated): ExAC 0.00002; gnomAD exomes 0.00002; gnomAD 0.00005; ESP Exome Variant Server 0.00008; TOPMed 0.00009.
gnomAD v4.1: 57 of 1,600,618 alleles (0.0036%); highest among the groups gnomAD compares: Non-Finnish European, 0.0043%; no homozygotes.

Submission:

Labcorp Genetics (formerly Invitae), Labcorp
Classification: Uncertain significance. Last evaluated: 2021-08-31. Review status: criteria provided, single submitter. Criteria: Invitae Variant Classification Sherloc (09022015). Collection method: clinical testing. Allele origin: germline.
Comment: This sequence change replaces arginine with glutamine at codon 148 of the SAR1B protein (p.Arg148Gln). The arginine residue is highly conserved and there is a small physicochemical difference between arginine and glutamine. This variant is present in population databases (rs368290466, ExAC 0.02%). This variant has not been reported in the literature in individuals affected with SAR1B-related conditions. Algorithms developed to predict the effect of missense changes on protein structure and function are either unavailable or do not agree on the potential impact of this missense change (SIFT: "Tolerated"; PolyPhen-2: "Probably Damaging"; Align-GVGD: "Class C0"). In summary, the available evidence is currently insufficient to determine the role of this variant in disease. Therefore, it has been classified as a Variant of Uncertain Significance.